The following is an entry in ClinVar:

NM_003978.5(PSTPIP1):c.37-2102G>A

Gene: PSTPIP1 (proline-serine-threonine phosphatase interacting protein 1; plus strand). Cytogenetic location: 15q24.3.
Variant type: single nucleotide variant.
Coding change: c.37-2102G>A on transcript NM_003978.5 (MANE Select); 2102 bases into the intron before coding-DNA position 37, G replaced by A.
Molecular consequence: intron variant.
Genome position (GRCh38, 1-based): chr15:77,016,046, G>A. VCF-style: chr15-77016046-G-A. GRCh37 (hg19) VCF-style: chr15-77308387-G-A.
Other names: c.232-2102G>A (NM_001321137.1); c.10-2102G>A (NM_001321136.2); c.37-2102G>A (NM_001321135.2, NM_001411086.1).
Identifiers: ClinVar variation 2628116 (VCV002628116.2), dbSNP rs7173067, ClinGen allele CA14121864.

ClinVar aggregate classification (germline): Benign (1 of 4 stars; one submission).

Allele frequency attached by ClinVar (database versions not stated): 1000 Genomes Project 30x 0.60853; 1000 Genomes Project 0.61022; TOPMed 0.68017.
gnomAD v4.1: 335,852 of 456,048 alleles (74%); highest among the groups gnomAD compares: Middle Eastern, 87%; 127,299 homozygotes.

Submission:

Unidad de Genómica Garrahan, Hospital de Pediatría Garrahan
Classification: Benign. Last evaluated: 2023-11-12. Review status: criteria provided, single submitter. Criteria: ACMG Guidelines, 2015. Collection method: clinical testing. Allele origin: germline. Affected: no. Observed: 73 variant alleles.
Comment: This variant is classified as Benign based on local population frequency. This variant was detected in 76% of patients studied by a panel of primary immunodeficiencies. Number of patients: 73. Only high quality variants are reported.